The following is an entry in ClinVar:

NM_001351132.2(PEX5):c.706G>C (p.Gly236Arg)

Gene: PEX5 (peroxisomal biogenesis factor 5; plus strand). Cytogenetic location: 12p13.31.
Variant type: single nucleotide variant.
Coding change: c.706G>C on transcript NM_001351132.2 (MANE Select); coding-DNA position 706, G replaced by C.
Protein change: p.Gly236Arg; replaces glycine 236 with arginine.
Molecular consequence: missense variant. On other transcripts: intron variant (15).
Genome position (GRCh38, 1-based): chr12:7,202,304, G>C. VCF-style: chr12-7202304-G-C. GRCh37 (hg19) VCF-style: chr12-7354900-G-C.
Other names: c.706G>C, p.Gly236Arg (NM_000319.5, NM_001131025.2, NM_001131026.2 and 6 more transcripts); c.751G>C, p.Gly251Arg (NM_001131023.2); c.643-308G>C (NM_001351124.3, NM_001351126.2, NM_001374646.1 and 10 more transcripts); c.688-308G>C (NM_001351135.3, NM_001351138.2); short protein forms G251R, G236R.
Identifiers: ClinVar variation 1354798 (VCV001354798.8), dbSNP rs2136152526, ClinGen allele CA383722834.

ClinVar aggregate classification (germline): Uncertain significance (1 of 4 stars; one submission).

Conditions:
Peroxisome biogenesis disorder 2B (PBD2B). Identifiers: Orphanet 44, MedGen C3550234, MONDO:0008736, OMIM 202370.

Submission:

Labcorp Genetics (formerly Invitae), Labcorp
Classification: Uncertain significance for Peroxisome biogenesis disorder 2B. Last evaluated: 2020-12-08. Review status: criteria provided, single submitter. Criteria: Invitae Variant Classification Sherloc (09022015). Collection method: clinical testing. Allele origin: germline.
Comment: This variant is not present in population databases (ExAC no frequency). This sequence change replaces glycine with arginine at codon 236 of the PEX5 protein (p.Gly236Arg). The glycine residue is weakly conserved and there is a moderate physicochemical difference between glycine and arginine. This variant has not been reported in the literature in individuals with PEX5-related conditions. In summary, the available evidence is currently insufficient to determine the role of this variant in disease. Therefore, it has been classified as a Variant of Uncertain Significance. Algorithms developed to predict the effect of missense changes on protein structure and function (SIFT, PolyPhen-2, Align-GVGD) all suggest that this variant is likely to be tolerated, but these predictions have not been confirmed by published functional studies and their clinical significance is uncertain.